The following is an entry in ClinVar:

NM_024747.6(HPS6):c.496C>T (p.Arg166Trp)

Gene: HPS6 (HPS6 biogenesis of lysosomal organelles complex 2 subunit 3; plus strand). Cytogenetic location: 10q24.32.
Variant type: single nucleotide variant.
Coding change: c.496C>T on transcript NM_024747.6 (MANE Select); coding-DNA position 496, C replaced by T.
Protein change: p.Arg166Trp; replaces arginine 166 with tryptophan.
Molecular consequence: missense variant.
Genome position (GRCh38, 1-based): chr10:102,065,970, C>T. VCF-style: chr10-102065970-C-T. GRCh37 (hg19) VCF-style: chr10-103825727-C-T.
Other names: c.496C>T (NM_024747.5); short protein forms R166W.
Identifiers: ClinVar variation 1486182 (VCV001486182.4), dbSNP rs773504168, ClinGen allele CA5659790.

ClinVar aggregate classification (germline): Uncertain significance. Review status: criteria provided, multiple submitters, no conflicts (2 of 4 stars). 2 submissions from 2 submitters: Uncertain significance (2). Last evaluated 2025-05-14.

Conditions:
Inborn genetic diseases. Identifiers: MedGen C0950123, MeSH D030342.

Allele frequency attached by ClinVar (database versions not stated): ExAC 0.00001; gnomAD 0.00004 and 0.00003; gnomAD exomes 0.00001.

Submissions (2):

Ambry Genetics
Classification: Uncertain significance for Inborn genetic diseases. Last evaluated: 2025-05-14. Review status: criteria provided, single submitter. Criteria: Ambry Variant Classification Scheme 2023. Collection method: clinical testing. Allele origin: germline.

Labcorp Genetics (formerly Invitae), Labcorp
Classification: Uncertain significance. Last evaluated: 2021-09-19. Review status: criteria provided, single submitter. Criteria: Invitae Variant Classification Sherloc (09022015). Collection method: clinical testing. Allele origin: germline.
Comment: This sequence change replaces arginine with tryptophan at codon 166 of the HPS6 protein (p.Arg166Trp). The arginine residue is moderately conserved and there is a moderate physicochemical difference between arginine and tryptophan. This variant is present in population databases (rs773504168, ExAC 0.02%). This variant has not been reported in the literature in individuals affected with HPS6-related conditions. Algorithms developed to predict the effect of missense changes on protein structure and function (SIFT, PolyPhen-2, Align-GVGD) all suggest that this variant is likely to be disruptive. In summary, the available evidence is currently insufficient to determine the role of this variant in disease. Therefore, it has been classified as a Variant of Uncertain Significance.